The following is an entry in ClinVar:

NM_001379500.1(COL18A1):c.2578-1G>T

Gene: COL18A1 (collagen type XVIII alpha 1 chain; plus strand). Cytogenetic location: 21q22.3.
Variant type: single nucleotide variant.
Coding change: c.2578-1G>T on transcript NM_001379500.1 (MANE Select); the canonical splice acceptor site of the intron before coding-DNA position 2578, G replaced by T.
Molecular consequence: splice acceptor variant.
Genome position (GRCh38, 1-based): chr21:45,497,049, G>T. VCF-style: chr21-45497049-G-T. GRCh37 (hg19) VCF-style: chr21-46916963-G-T.
Other names: c.3823-1G>T (NM_130444.3); c.3118-1G>T (NM_030582.4).
Identifiers: ClinVar variation 2700162 (VCV002700162.4), dbSNP rs894151180, ClinGen allele CA321919947.

ClinVar aggregate classification (germline): Likely pathogenic (1 of 4 stars; one submission).

Allele frequency attached by ClinVar (database versions not stated): TOPMed below 0.00001.
gnomAD v4.1: 5 of 1,603,086 alleles (0.00031%); highest among the groups gnomAD compares: Non-Finnish European, 0.00017%; no homozygotes.

Submissions (9):

Labcorp Genetics (formerly Invitae), Labcorp
Classification: Likely pathogenic. Last evaluated: 2024-02-22. Review status: criteria provided, single submitter. Criteria: Invitae Variant Classification Sherloc (09022015). Collection method: clinical testing. Allele origin: germline.
Comment: This sequence change affects an acceptor splice site in intron 30 of the COL18A1 gene. It is expected to disrupt RNA splicing. Variants that disrupt the donor or acceptor splice site typically lead to a loss of protein function (PMID: 16199547), and loss-of-function variants in COL18A1 are known to be pathogenic (PMID: 12415512, 25456301). This variant is not present in population databases (gnomAD no frequency). This variant has not been reported in the literature in individuals affected with COL18A1-related conditions. Algorithms developed to predict the effect of sequence changes on RNA splicing suggest that this variant may disrupt the consensus splice site. In summary, the currently available evidence indicates that the variant is pathogenic, but additional data are needed to prove that conclusively. Therefore, this variant has been classified as Likely Pathogenic.

Dr. Peter K. Rogan Lab, Western University
No classification provided (evidence only). Condition: Melanoma. Review status: no classification provided. Collection method: in vitro. Allele origin: not applicable. Functional consequence: retained intron. Not counted in ClinVar's aggregate classification.

Dr. Peter K. Rogan Lab, Western University
No classification provided (evidence only). Condition: Melanoma. Review status: no classification provided. Collection method: in vitro. Allele origin: not applicable. Functional consequence: retained intron. Not counted in ClinVar's aggregate classification.

Dr. Peter K. Rogan Lab, Western University
No classification provided (evidence only). Condition: Melanoma. Review status: no classification provided. Collection method: in vitro. Allele origin: not applicable. Functional consequence: retained intron. Not counted in ClinVar's aggregate classification.

Dr. Peter K. Rogan Lab, Western University
No classification provided (evidence only). Condition: Melanoma. Review status: no classification provided. Collection method: in vitro. Allele origin: not applicable. Functional consequence: retained intron. Not counted in ClinVar's aggregate classification.

Dr. Peter K. Rogan Lab, Western University
No classification provided (evidence only). Condition: Melanoma. Review status: no classification provided. Collection method: in vitro. Allele origin: not applicable. Functional consequence: retained intron. Not counted in ClinVar's aggregate classification.

Dr. Peter K. Rogan Lab, Western University
No classification provided (evidence only). Condition: Nonpapillary renal cell carcinoma. Review status: no classification provided. Collection method: in vitro. Allele origin: not applicable. Functional consequence: retained intron. Not counted in ClinVar's aggregate classification.

Dr. Peter K. Rogan Lab, Western University
No classification provided (evidence only). Condition: Nonpapillary renal cell carcinoma. Review status: no classification provided. Collection method: in vitro. Allele origin: not applicable. Functional consequence: retained intron. Not counted in ClinVar's aggregate classification.

Dr. Peter K. Rogan Lab, Western University
No classification provided (evidence only). Condition: Nonpapillary renal cell carcinoma. Review status: no classification provided. Collection method: in vitro. Allele origin: not applicable. Functional consequence: retained intron. Not counted in ClinVar's aggregate classification.

Literature cited by the submitters: PubMed 16199547 (cited by Labcorp Genetics (formerly Invitae), Labcorp); PubMed 12415512 (cited by Labcorp Genetics (formerly Invitae), Labcorp); PubMed 25456301 (cited by Labcorp Genetics (formerly Invitae), Labcorp).